The following is an entry in ClinVar:

NM_000091.5(COL4A3):c.2110C>T (p.Pro704Ser)

Genes: COL4A3 (collagen type IV alpha 3 chain; plus strand), MFF-DT (MFF divergent transcript; minus strand). Cytogenetic location: 2q36.3.
Variant type: single nucleotide variant.
Coding change: c.2110C>T on transcript NM_000091.5 (MANE Select); coding-DNA position 2110, C replaced by T.
Protein change: p.Pro704Ser; replaces proline 704 with serine.
Molecular consequence: missense variant.
Genome position (GRCh38, 1-based): chr2:227,277,538, C>T. VCF-style: chr2-227277538-C-T. GRCh37 (hg19) VCF-style: chr2-228142254-C-T.
Other names: short protein forms P704S.
Identifiers: ClinVar variation 3710943 (VCV003710943.2).
Genomic context (GRCh38, chr2:227,277,538, plus strand): 5'-GATCCTGGTCTTCCAGGGCCTGATGGTGAACCAGGAATTCCAGGAATTGGATTTCCTGGG[C>T]CTCCTGGACCTAAGGGTAAATTTAAAATTTTTTCAAACATAAAGTTTGTTGTGGATATTT-3'
Protein context (NP_000082.2, residues 694-714): PGIPGIGFPG[Pro704Ser]PGPKGDQGFP

ClinVar aggregate classification (germline): Uncertain significance (1 of 4 stars; one submission).

gnomAD v4.1: 24 of 1,607,416 alleles (0.0015%); highest among the groups gnomAD compares: Non-Finnish European, 0.002%; no homozygotes.

Submission:

Labcorp Genetics (formerly Invitae), Labcorp
Classification: Uncertain significance. Last evaluated: 2024-04-01. Review status: criteria provided, single submitter. Criteria: Invitae Variant Classification Sherloc (09022015). Collection method: clinical testing. Allele origin: germline.
Comment: This sequence change replaces proline, which is neutral and non-polar, with serine, which is neutral and polar, at codon 704 of the COL4A3 protein (p.Pro704Ser). This variant is present in population databases (rs376083145, gnomAD 0.005%). This variant has not been reported in the literature in individuals affected with COL4A3-related conditions. Advanced modeling of protein sequence and biophysical properties (such as structural, functional, and spatial information, amino acid conservation, physicochemical variation, residue mobility, and thermodynamic stability) performed at Invitae indicates that this missense variant is not expected to disrupt COL4A3 protein function with a negative predictive value of 95%. In summary, the available evidence is currently insufficient to determine the role of this variant in disease. Therefore, it has been classified as a Variant of Uncertain Significance.